The following is an entry in ClinVar:

NM_015046.7(SETX):c.6453C>T (p.Ile2151=)

Gene: SETX (senataxin; minus strand). Cytogenetic location: 9q34.13.
Variant type: single nucleotide variant.
Coding change: c.6453C>T on transcript NM_015046.7 (MANE Select); coding-DNA position 6453, C replaced by T.
Protein change: p.Ile2151=; no amino-acid change (isoleucine 2151 retained).
Molecular consequence: synonymous variant.
Genome position (GRCh38, 1-based): chr9:132,283,357, G>A on the plus strand (C>T on the coding strand, the complement: SETX is on the minus strand). VCF-style: chr9-132283357-G-A. GRCh37 (hg19) VCF-style: chr9-135158744-G-A.
Other names: p.Ile2151=; c.6453C>T, p.Ile2151= (NM_001351527.2, NM_001351528.2); c.6453C>T (NM_015046.5).
Identifiers: ClinVar variation 1095638 (VCV001095638.11), dbSNP rs150599672, ClinGen allele CA5296705.

ClinVar aggregate classification (germline): Likely benign. Review status: criteria provided, multiple submitters, no conflicts (2 of 4 stars). 3 submissions from 3 submitters: Likely benign (3). Last evaluated 2026-01-26.

Conditions:
SETX-related disorder. Also called: SETX-related disorders; SETX-related condition. Identifiers: MedGen CN239403.
Amyotrophic lateral sclerosis type 4 (ALS4). Also called: AMYOTROPHIC LATERAL SCLEROSIS 4, JUVENILE; NEURONOPATHY, DISTAL HEREDITARY MOTOR, WITH PYRAMIDAL FEATURES. Identifiers: Orphanet 357043, MedGen C1865409, MONDO:0011223, OMIM 602433.
Spinocerebellar ataxia, autosomal recessive, with axonal neuropathy 2 (SCAN2). Also called: Ataxia with Oculomotor Apraxia; Ataxia with Oculomotor Apraxia Type 2; ATAXIA-OCULOMOTOR APRAXIA 2; Ataxia-ocular apraxia-2. Identifiers: Orphanet 64753, MedGen C1853761, MONDO:0018996, OMIM 606002.

Allele frequency attached by ClinVar (database versions not stated): ExAC 0.00001; gnomAD 0.00002 and 0.00003; gnomAD exomes 0.00003; TOPMed 0.00003; ESP Exome Variant Server 0.00008.
gnomAD v4.1: 50 of 1,614,080 alleles (0.0031%); highest among the groups gnomAD compares: Middle Eastern, 0.033%; no homozygotes.

Submissions (3):

Labcorp Genetics (formerly Invitae), Labcorp
Classification: Likely benign for Amyotrophic lateral sclerosis type 4; Spinocerebellar ataxia, autosomal recessive, with axonal neuropathy 2. Last evaluated: 2026-01-26. Review status: criteria provided, single submitter. Criteria: Invitae Variant Classification Sherloc (09022015). Collection method: clinical testing. Allele origin: germline.

Mayo Clinic Laboratories, Mayo Clinic
Classification: Likely benign. Last evaluated: 2025-08-04. Review status: criteria provided, single submitter. Criteria: ACMG Guidelines, 2015. Collection method: clinical testing. Allele origin: germline. Observed: 1 variant allele.
Comment: BP4, BP7

PreventionGenetics, part of Exact Sciences
Classification: Likely benign for SETX-related condition. Last evaluated: 2025-01-29. Review status: criteria provided, single submitter. Criteria: ACMG Guidelines, 2015. Collection method: clinical testing. Allele origin: germline.
Comment: This variant is classified as likely benign based on ACMG/AMP sequence variant interpretation guidelines (Richards et al. 2015 PMID: 25741868, with internal and published modifications).